The following is an entry in ClinVar:

ClinVar aggregate classification (germline): Conflicting classifications of pathogenicity. Review status: criteria provided, conflicting classifications (1 of 4 stars). 2 submissions from 2 submitters: Uncertain significance (1); Likely benign (1). Last evaluated 2025-12-03.

Conditions:
Symmetrical dyschromatosis of extremities (DSH). Also called: DYSCHROMATOSIS SYMMETRICA HEREDITARIA 1; RETICULATE ACROPIGMENTATION OF DOHI; SYMMETRIC DYSCHROMATOSIS OF THE EXTREMITIES; Dyschromatosis symmetrica hereditaria. Identifiers: Orphanet 41, MedGen C0406775, MONDO:0007483, OMIM 127400.
Aicardi-Goutieres syndrome 6 (AGS6). Identifiers: Orphanet 51, MedGen C3539013, MONDO:0014007, OMIM 615010.

Allele frequency attached by ClinVar (database versions not stated): gnomAD exomes 0.00009 and 0.00002; ExAC 0.00003; gnomAD 0.00001.
gnomAD v4.1: 31 of 1,613,678 alleles (0.0019%); highest among the groups gnomAD compares: Admixed American, 0.047%; no homozygotes.

Submissions (2):

Labcorp Genetics (formerly Invitae), Labcorp
Classification: Likely benign for Aicardi-Goutieres syndrome 6; Symmetrical dyschromatosis of extremities. Last evaluated: 2025-12-03. Review status: criteria provided, single submitter. Criteria: Invitae Variant Classification Sherloc (09022015). Collection method: clinical testing. Allele origin: germline.

GeneDx
Classification: Uncertain significance. Last evaluated: 2021-06-21. Review status: criteria provided, single submitter. Criteria: GeneDx Variant Classification Process June 2021. Collection method: clinical testing. Allele origin: germline. Affected: yes.
Comment: Has not been previously published as pathogenic or benign to our knowledge; In-silico analysis, which includes splice predictors and evolutionary conservation, is inconclusive as to whether the variant alters gene splicing. In the absence of RNA/functional studies, the actual effect of this sequence change is unknown.; This variant is associated with the following publications: (PMID: 27535533)

NM_001111.5(ADAR):c.2886-12C>G

Gene: ADAR (adenosine deaminase RNA specific; minus strand). Cytogenetic location: 1q21.3.
Variant type: single nucleotide variant.
Coding change: c.2886-12C>G on transcript NM_001111.5 (MANE Select); 12 bases into the intron before coding-DNA position 2886, C replaced by G.
Molecular consequence: intron variant.
Genome position (GRCh38, 1-based): chr1:154,588,270, G>C on the plus strand (C>G on the coding strand, the complement: ADAR is on the minus strand). VCF-style: chr1-154588270-G-C. GRCh37 (hg19) VCF-style: chr1-154560746-G-C.
Other names: c.2001-12C>G (NM_001365046.1, NM_001025107.3, NM_001365048.1 and 2 more transcripts); c.2913-12C>G (NM_001365045.1); c.1923-12C>G (NM_001365049.1); c.2751-12C>G (NM_015841.4); c.2808-12C>G (NM_015840.4).
Identifiers: ClinVar variation 1329511 (VCV001329511.11), dbSNP rs775018500, ClinGen allele CA1131111.
Genomic context (GRCh38, chr1:154,588,270, plus strand): 5'-GTCGCTGCAGGACTTGTCAAAGAGGGCGCCATCTCCACACGGAGCAGTGCTGAAAAACAG[G>C]GGTGGCTGTTAAAACTCACCTGTGGGAAATCTGCAATTTCGTGGGGCTCCAAAACAGTCA-3'